The following is an entry in ClinVar:

ClinVar aggregate classification (germline): Uncertain significance (1 of 4 stars; one submission).

Conditions:
Intellectual developmental disorder, autosomal dominant 43. Also called: Intellectual disability, autosomal dominant 43. Identifiers: MedGen C4707429, MONDO:0014858, OMIM 616977.

Submission:

Johns Hopkins Genomics, Johns Hopkins University
Classification: Uncertain significance for Intellectual developmental disorder, autosomal dominant 43. Last evaluated: 2024-10-29. Review status: criteria provided, single submitter. Criteria: ACMG Guidelines, 2015. Collection method: clinical testing. Allele origin: germline.
Comment: The clinical significance of this variant is uncertain (PM3, PP3, PP4).

Literature cited by the submitters: PubMed 36742411; PubMed 39291810.

NM_001270974.2(HYDIN):c.12899_12900delinsCT (p.Cys4300Ser)

Gene: HYDIN (HYDIN axonemal central pair apparatus protein; minus strand). Cytogenetic location: 16q22.2.
Variant type: Indel.
Coding change: c.12899_12900delinsCT on transcript NM_001270974.2 (MANE Select); coding-DNA positions 12899 to 12900, GC replaced by CT.
Protein change: p.Cys4300Ser; replaces cysteine 4300 with serine.
Molecular consequence: missense variant.
Genome position (GRCh38, 1-based): chr16:70,840,207-70,840,208, GC replaced by AG on the plus strand (GC replaced by CT on the coding strand, the reverse complement: HYDIN is on the minus strand). VCF-style: chr16-70840207-GC-AG. GRCh37 (hg19) VCF-style: chr16-70874110-GC-AG.
Other names: short protein forms C4300S.
Identifiers: ClinVar variation 4280106 (VCV004280106.1).